The following is an entry in ClinVar:

NC_000008.10:g.(?_62460610)_(62465699_?)del

Gene: ASPH (aspartate beta-hydroxylase; minus strand). Cytogenetic location: 8q12.3.
Variant type: Deletion.
Identifiers: ClinVar variation 2425062 (VCV002425062.4).

ClinVar aggregate classification (germline): Likely pathogenic (1 of 4 stars; one submission).

Submission:

Labcorp Genetics (formerly Invitae), Labcorp
Classification: Likely pathogenic. Last evaluated: 2022-09-22. Review status: criteria provided, single submitter. Criteria: Invitae Variant Classification Sherloc (09022015). Collection method: clinical testing. Allele origin: germline.
Comment: In summary, the currently available evidence indicates that the variant is pathogenic, but additional data are needed to prove that conclusively. Therefore, this variant has been classified as Likely Pathogenic. A similar copy number variant has been observed in individual(s) with clinical features of autosomal recessive Traboulsi syndrome (Invitae). In at least one individual the data is consistent with being in trans (on the opposite chromosome) from a pathogenic variant. This variant is a gross deletion of the genomic region encompassing exon(s) 20-21 of the ASPH gene. This variant would be expected to be in-frame, preserving the integrity of the reading frame.